The following is an entry in ClinVar:

NM_001082538.3(TCTN1):c.699TAA[1] (p.Asn235del)

Gene: TCTN1 (tectonic family member 1; plus strand). Cytogenetic location: 12q24.11.
Variant type: Microsatellite.
Coding change: c.699TAA[1] on transcript NM_001082538.3 (MANE Select); one copy of the 3-base unit TAA starting at c.699; the reference has two copies in a row; one copy, 3 bases deleted.
Protein change: p.Asn235del; deletes asparagine 235.
Molecular consequence: inframe deletion. On other transcripts: non-coding transcript variant (1).
Genome position (GRCh38, 1-based): chr12:110,632,549-110,632,551, TAA deleted; deleting any 3 consecutive bases within chr12:110,632,545-110,632,551 gives the same sequence; the position shown is the placement nearest the transcript's 3' end. VCF-style (leftmost placement, unchanged base first): chr12-110632544-GATA-G. GRCh37 (hg19) VCF-style: chr12-111070349-GATA-G.
Other names: c.699TAA[1], p.Asn235del (NM_001082537.3, NM_001319680.2, NM_024549.6); c.531TAA[1], p.Asn179del (NM_001173975.3); c.519TAA[1], p.Asn175del (NM_001173976.2); c.165TAA[1], p.Asn57del (NM_001319681.2); short protein forms N235del, N175del, N57del, N179del.
Identifiers: ClinVar variation 212385 (VCV000212385.28), dbSNP rs797046038, ClinGen allele CA207512.

ClinVar aggregate classification (germline): Conflicting classifications of pathogenicity. Review status: criteria provided, conflicting classifications (1 of 4 stars). 8 submissions from 8 submitters: Uncertain significance (2); Likely benign (4). 2 of the submissions do not count toward it. Last evaluated 2026-02-04.

Conditions:
TCTN1-related disorder. Also called: TCTN1-related condition.
Meckel-Gruber syndrome. Also called: DYSENCEPHALIA SPLANCHNOCYSTICA; Dysencephalia splachnocystica; GRUBER SYNDROME. Identifiers: Orphanet 564, MedGen C0265215, MONDO:0018921.
Joubert syndrome. Also called: Familial aplasia of the vermis; JOUBERT-BOLTSHAUSER SYNDROME. Identifiers: Orphanet 475, MedGen C5979921, MONDO:0018772.
Inborn genetic diseases. Identifiers: MedGen C0950123, MeSH D030342.

Submissions (8):

Labcorp Genetics (formerly Invitae), Labcorp
Classification: Likely benign for Joubert syndrome; Meckel-Gruber syndrome. Last evaluated: 2026-02-04. Review status: criteria provided, single submitter. Criteria: Invitae Variant Classification Sherloc (09022015). Collection method: clinical testing. Allele origin: germline.

Blueprint Genetics
Classification: Likely benign. Last evaluated: 2024-11-14. Review status: criteria provided, single submitter. Criteria: ACMG Guidelines, 2015. Collection method: clinical testing. Allele origin: germline.

Ambry Genetics
Classification: Likely benign for Inborn genetic diseases. Last evaluated: 2022-04-19. Review status: criteria provided, single submitter. Criteria: Ambry Variant Classification Scheme 2023. Collection method: clinical testing. Allele origin: germline.

Genetic Services Laboratory, University of Chicago
Classification: Likely benign. Last evaluated: 2021-02-08. Review status: criteria provided, single submitter. Criteria: ACMG Guidelines, 2015. Collection method: clinical testing. Allele origin: germline. Affected: no.

GeneDx
Classification: Uncertain significance. Last evaluated: 2018-09-04. Review status: criteria provided, single submitter. Criteria: GeneDx Variant Classification (06012015). Collection method: clinical testing. Allele origin: germline. Affected: yes.
Comment: A variant of uncertain significance has been identified in the TCTN1 gene. The c.702_704delTAA variant has not been published as a pathogenic variant, nor has it been reported as a benign variant to our knowledge. The c.702_704delTAA variant is observed in 168/66,738 (0.3%) alleles from individuals of European background (Lek et al., 2016; 1000 Genomes Consortium et al., 2015; Exome Variant Server). The c.702_704delTAA results in an in-frame deletion of a single Asparagine residue, denoted p.Asn235del. Based on the currently available information, it is unclear whether this variant is a pathogenic variant or a rare benign variant.

Eurofins Ntd Llc (ga)
Classification: Uncertain significance. Last evaluated: 2016-10-21. Review status: criteria provided, single submitter. Criteria: EGL Classification Definitions 2015. Collection method: clinical testing. Allele origin: germline. Observed: 1 variant allele, 1 heterozygote.

PreventionGenetics, part of Exact Sciences
Classification: Likely benign for TCTN1-related condition. Last evaluated: 2022-02-03. Review status: no assertion criteria provided. Collection method: clinical testing. Allele origin: germline. Not counted in ClinVar's aggregate classification.
Comment: This variant is classified as likely benign based on ACMG/AMP sequence variant interpretation guidelines (Richards et al. 2015 PMID: 25741868, with internal and published modifications).

Department of Pathology and Laboratory Medicine, Sinai Health System
Classification: Likely benign. Review status: no assertion criteria provided. Collection method: clinical testing. Allele origin: unknown. Affected: yes. Study: The Canadian Open Genetics Repository (COGR). Not counted in ClinVar's aggregate classification.
Comment: The TCTN1 p.Asn235del variant was not identified in the literature nor was it identified in LOVD 3.0. The variant was identified in dbSNP (ID: rs1179582623) and ClinVar (classified as uncertain significance by Genetic Services Laboratory, University of Chicago, EGL Genetic Diagnostics and GeneDx, and as likely benign by Invitae). The variant was identified in control databases in 455 of 280942 chromosomes (2 homozygous) at a frequency of 0.00162 increasing the likelihood this could be a low frequency benign variant (Genome Aggregation Database March 6, 2019, v2.1.1). The variant was observed in the following populations: European (non-Finnish) in 420 of 128690 chromosomes (freq: 0.003264), Other in 7 of 7148 chromosomes (freq: 0.000979), European (Finnish) in 12 of 25030 chromosomes (freq: 0.000479), African in 11 of 24202 chromosomes (freq: 0.000455) and Latino in 5 of 35374 chromosomes (freq: 0.000141), but was not observed in the Ashkenazi Jewish, East Asian, or South Asian populations. This variant is an in-frame deletion resulting in the removal of a asparagine (asn) residue at codon 235; the impact of this alteration on TCTN1 protein function is not known. The variant occurs outside of the splicing consensus sequence and in silico or computational prediction software programs (SpliceSiteFinder, MaxEntScan, NNSPLICE, GeneSplicer) do not predict a difference in splicing. In summary, based on the above information the clinical significance of this variant cannot be determined with certainty at this time although we would lean towards a more benign role for this variant. This variant is classified as likely benign.